The following is an entry in ClinVar:

ClinVar aggregate classification (germline): Pathogenic (1 of 4 stars; one submission).

Conditions:
Mosaic variegated aneuploidy syndrome 1 (MVA1). Also called: Warburton-Anyane-Yeboa syndrome. Identifiers: Orphanet 1052, MedGen C1850343, MONDO:0009759, OMIM 257300.

Submission:

Labcorp Genetics (formerly Invitae), Labcorp
Classification: Pathogenic for Mosaic variegated aneuploidy syndrome 1. Last evaluated: 2022-10-08. Review status: criteria provided, single submitter. Criteria: Invitae Variant Classification Sherloc (09022015). Collection method: clinical testing. Allele origin: germline.
Comment: For these reasons, this variant has been classified as Pathogenic. This variant has not been reported in the literature in individuals affected with BUB1B-related conditions. This variant is not present in population databases (gnomAD no frequency). This sequence change creates a premature translational stop signal (p.Arg381Glyfs*16) in the BUB1B gene. It is expected to result in an absent or disrupted protein product. Loss-of-function variants in BUB1B are known to be pathogenic (PMID: 15475955, 21190457).

Literature cited by the submitters: PubMed 15475955; PubMed 21190457.

NM_001211.6(BUB1B):c.1141del (p.Arg381fs)

Gene: BUB1B (BUB1 mitotic checkpoint serine/threonine kinase B; plus strand). Cytogenetic location: 15q15.1.
Variant type: Deletion.
Coding change: c.1141del on transcript NM_001211.6 (MANE Select); coding-DNA position 1141, one base deleted (A; older notation c.1141delA).
Protein change: p.Arg381fs; shifts the reading frame from arginine 381.
Molecular consequence: frameshift variant.
Genome position (GRCh38, 1-based): chr15:40,196,627, A deleted; the last of 3 consecutive A bases (chr15:40,196,625-40,196,627); deleting any one gives the same sequence. VCF-style (leftmost placement, unchanged base first): chr15-40196624-CA-C. GRCh37 (hg19) VCF-style: chr15-40488825-CA-C.
Other names: short protein forms R381fs.
Identifiers: ClinVar variation 2034835 (VCV002034835.4), dbSNP rs2542550424, ClinGen allele CA2580089334.
Genomic context (GRCh38, chr15:40,196,624, plus strand): 5'-CCTAGTATAAACCACATCCTAAGCACCAGAAAGCCTGGAAAGGAAGAAGGAGATCCTCTA[CA>C]AAGGGTTCAGAGCCATCAGCAAGCGTCTGAGGAGAAGAAAGAGAAGATGATGTATTGTAA-3'